The following is an entry in ClinVar:

ClinVar aggregate classification (germline): Pathogenic (1 of 4 stars; one submission).

Conditions:
Myofibrillar myopathy 5. Also called: FILAMINOPATHY, AUTOSOMAL DOMINANT; Filaminopathy (type). Identifiers: Orphanet 171445, MedGen C1836050, MONDO:0012289, OMIM 609524.
Distal myopathy with posterior leg and anterior hand involvement. Also called: WILLIAMS DISTAL MYOPATHY. Identifiers: Orphanet 63273, MedGen C3279722, MONDO:0013550, OMIM 614065.
Hypertrophic cardiomyopathy 26. Also called: Cardiomyopathy, familial hypertrophic, 26. Identifiers: Orphanet 75249, MedGen C4310749, MONDO:0014883, OMIM 617047.

Submission:

Labcorp Genetics (formerly Invitae), Labcorp
Classification: Pathogenic for Distal myopathy with posterior leg and anterior hand involvement; Myofibrillar myopathy 5; Hypertrophic cardiomyopathy 26. Last evaluated: 2020-08-22. Review status: criteria provided, single submitter. Criteria: Invitae Variant Classification Sherloc (09022015). Collection method: clinical testing. Allele origin: germline.
Comment: For these reasons, this variant has been classified as Pathogenic. Loss-of-function variants in FLNC are known to be pathogenic (PMID: 27908349). This variant has not been reported in the literature in individuals with FLNC-related conditions. ClinVar contains an entry for this variant (Variation ID: 859534). This variant is not present in population databases (ExAC no frequency). This sequence change creates a premature translational stop signal (p.Lys343*) in the FLNC gene. It is expected to result in an absent or disrupted protein product.

Literature cited by the submitters: PubMed 27908349.

NM_001458.5(FLNC):c.1027A>T (p.Lys343Ter)

Gene: FLNC (filamin C; plus strand). Cytogenetic location: 7q32.1.
Variant type: single nucleotide variant.
Coding change: c.1027A>T on transcript NM_001458.5 (MANE Select); coding-DNA position 1027, A replaced by T.
Protein change: p.Lys343Ter; replaces lysine 343 with a stop codon.
Molecular consequence: nonsense.
Genome position (GRCh38, 1-based): chr7:128,838,044, A>T. VCF-style: chr7-128838044-A-T. GRCh37 (hg19) VCF-style: chr7-128478098-A-T.
Other names: c.1027A>T, p.Lys343Ter (NM_001127487.2); short protein forms K343*.
Identifiers: ClinVar variation 859534 (VCV000859534.8), dbSNP rs745495679, ClinGen allele CA369223423.
Genomic context (GRCh38, chr7:128,838,044, plus strand): 5'-TAGGCTAAGGTGGTTCCCAACAATGACAAGGATCGCACCTATGCTGTCTCCTATGTGCCC[A>T]AGGTCGCTGGGTTACACAAGGTATCTCCCTCTAGGCCCCCCTGCCTGCGCTGCTCTTCAC-3'